The following is an entry in ClinVar:

NM_201384.3(PLEC):c.1969A>T (p.Ser657Cys)

Gene: PLEC (plectin; minus strand). Cytogenetic location: 8q24.3.
Variant type: single nucleotide variant.
Coding change: c.1969A>T on transcript NM_201384.3 (MANE Select); coding-DNA position 1969, A replaced by T.
Protein change: p.Ser657Cys; replaces serine 657 with cysteine.
Molecular consequence: missense variant.
Genome position (GRCh38, 1-based): chr8:143,932,408, T>A on the plus strand (A>T on the coding strand, the complement: PLEC is on the minus strand). VCF-style: chr8-143932408-T-A. GRCh37 (hg19) VCF-style: chr8-145006576-T-A.
Other names: c.2050A>T, p.Ser684Cys (NM_000445.5); c.1927A>T, p.Ser643Cys (NM_201378.4); c.1903A>T, p.Ser635Cys (NM_201379.3); c.2380A>T, p.Ser794Cys (NM_201380.4); c.1873A>T, p.Ser625Cys (NM_201381.3); c.1969A>T, p.Ser657Cys (NM_201382.4); c.1981A>T, p.Ser661Cys (NM_201383.3); short protein forms S625C, S635C, S643C, S657C, S661C, S684C, S794C.
Identifiers: ClinVar variation 432717 (VCV000432717.31), dbSNP rs199843296, ClinGen allele CA4927772.

ClinVar aggregate classification (germline): Conflicting classifications of pathogenicity. Review status: criteria provided, conflicting classifications (1 of 4 stars). 8 submissions from 8 submitters: Uncertain significance (3); Likely benign (5). Last evaluated 2026-01-27.

Conditions:
PLEC-related disorder. Also called: PLEC-related condition; PLEC-related disorders.
Autosomal recessive limb-girdle muscular dystrophy type 2Q (LGMDR17). Also called: MUSCULAR DYSTROPHY, LIMB-GIRDLE, AUTOSOMAL RECESSIVE 17. Identifiers: Orphanet 254361, MedGen C3150989, MONDO:0013390, OMIM 613723.
Epidermolysis bullosa simplex, Ogna type (EBS5A). Also called: Pidermolysis bullosa simplex 5A, Ogna type; EPIDERMOLYSIS BULLOSA SIMPLEX 5A, OGNA TYPE. Identifiers: Orphanet 79401, MedGen C0432317, MONDO:0007555, OMIM 131950.
Epidermolysis bullosa simplex with nail dystrophy (EBS5D). Identifiers: MedGen C4225309, MONDO:0014661, OMIM 616487.
Epidermolysis bullosa simplex 5C, with pyloric atresia (EBS5C). Also called: PLEC1-Related Epidermolysis Bullosa with Pyloric Atresia; PLEC-Related Epidermolysis Bullosa with Pyloric Atresia; Epidermolysis bullosa simplex with pyloric atresia. Identifiers: Orphanet 158684, MedGen C2677349, MONDO:0012807, OMIM 612138.
Epidermolysis bullosa simplex 5B, with muscular dystrophy (EBS5B). Also called: EPIDERMOLYSIS BULLOSA SIMPLEX AND LIMB-GIRDLE MUSCULAR DYSTROPHY; Epidermolysis bullosa simplex with muscular dystrophy. Identifiers: Orphanet 257, MedGen C2931072, MONDO:0009181, OMIM 226670.
Inborn genetic diseases. Identifiers: MedGen C0950123, MeSH D030342.

Allele frequency attached by ClinVar (database versions not stated): gnomAD exomes 0.00017; ExAC 0.00022; gnomAD 0.00089 and 0.00097; ESP Exome Variant Server 0.00095; TOPMed 0.00104; 1000 Genomes Project 30x 0.00109; 1000 Genomes Project 0.00120.
gnomAD v4.1: 267 of 1,612,716 alleles (0.017%); highest among the groups gnomAD compares: African/African-American, 0.33%; 1 homozygote.

Submissions (8):

Labcorp Genetics (formerly Invitae), Labcorp
Classification: Likely benign for Autosomal recessive limb-girdle muscular dystrophy type 2Q; Epidermolysis bullosa simplex, Ogna type; Epidermolysis bullosa simplex with nail dystrophy; Epidermolysis bullosa simplex 5C, with pyloric atresia; Epidermolysis bullosa simplex 5B, with muscular dystrophy. Last evaluated: 2026-01-27. Review status: criteria provided, single submitter. Criteria: Invitae Variant Classification Sherloc (09022015). Collection method: clinical testing. Allele origin: germline.

PreventionGenetics, part of Exact Sciences
Classification: Likely benign for PLEC-related condition. Last evaluated: 2025-08-01. Review status: criteria provided, single submitter. Criteria: ACMG Guidelines, 2015. Collection method: clinical testing. Allele origin: germline.
Comment: This variant is classified as likely benign based on ACMG/AMP sequence variant interpretation guidelines (Richards et al. 2015 PMID: 25741868, with internal and published modifications).

Revvity Omics, Revvity
Classification: Likely benign. Last evaluated: 2025-06-19. Review status: criteria provided, single submitter. Criteria: ACMG Guidelines, 2015. Collection method: clinical testing. Allele origin: germline.

Blueprint Genetics
Classification: Likely benign. Last evaluated: 2024-10-09. Review status: criteria provided, single submitter. Criteria: ACMG Guidelines, 2015. Collection method: clinical testing. Allele origin: germline.

Ambry Genetics
Classification: Uncertain significance for Inborn genetic diseases. Last evaluated: 2024-01-04. Review status: criteria provided, single submitter. Criteria: Ambry Variant Classification Scheme 2023. Collection method: clinical testing. Allele origin: germline.

GeneDx
Classification: Likely benign. Last evaluated: 2019-12-16. Review status: criteria provided, single submitter. Criteria: GeneDx Variant Classification Process June 2021. Collection method: clinical testing. Allele origin: germline. Affected: yes.

Eurofins Ntd Llc (ga)
Classification: Uncertain significance. Last evaluated: 2018-08-02. Review status: criteria provided, single submitter. Criteria: EGL ClinVar v180209 classification definitions. Collection method: clinical testing. Allele origin: germline. Observed: 5 variant alleles, 4 heterozygotes.

Athena Diagnostics
Classification: Uncertain significance. Last evaluated: 2018-02-05. Review status: criteria provided, single submitter. Criteria: Athena Diagnostics Criteria. Collection method: clinical testing. Allele origin: germline.